The following is an entry in ClinVar:

NM_002838.5(PTPRC):c.3776C>G (p.Ala1259Gly)

Gene: PTPRC (protein tyrosine phosphatase receptor type C; plus strand). Cytogenetic location: 1q32.1.
Variant type: single nucleotide variant.
Coding change: c.3776C>G on transcript NM_002838.5 (MANE Select); coding-DNA position 3776, C replaced by G.
Protein change: p.Ala1259Gly; replaces alanine 1259 with glycine.
Molecular consequence: missense variant.
Genome position (GRCh38, 1-based): chr1:198,756,036, C>G. VCF-style: chr1-198756036-C-G. GRCh37 (hg19) VCF-style: chr1-198725165-C-G.
Other names: c.3293C>G, p.Ala1098Gly (NM_080921.4); short protein forms A1259G, A1098G.
Identifiers: ClinVar variation 1350106 (VCV001350106.5), dbSNP rs61757806, ClinGen allele CA35920732.

ClinVar aggregate classification (germline): Uncertain significance (1 of 4 stars; one submission).

Conditions:
Immunodeficiency 104. Also called: Severe combined immunodeficiency, autosomal recessive, T cell-negative, B cell-positive, NK cell-positive; SCID, AUTOSOMAL RECESSIVE, T CELL-NEGATIVE, B CELL-POSITIVE, NK CELL-POSITIVE; IMMUNODEFICIENCY 104, SEVERE COMBINED; Severe Combined Immune Deficiency, Autosomal Recessive, TCell -Negative, B Cell-Positive, NK Cell-Positive, IL7R-Related. Identifiers: MedGen C5676890, MONDO:0012163, OMIM 608971.

Allele frequency attached by ClinVar (database versions not stated): TOPMed below 0.00001; gnomAD exomes 0.00001.
gnomAD v4.1: 10 of 1,613,384 alleles (0.00062%); highest among the groups gnomAD compares: Non-Finnish European, 0.00085%; no homozygotes.

Submission:

Labcorp Genetics (formerly Invitae), Labcorp
Classification: Uncertain significance for Immunodeficiency 104. Last evaluated: 2022-02-10. Review status: criteria provided, single submitter. Criteria: Invitae Variant Classification Sherloc (09022015). Collection method: clinical testing. Allele origin: germline.
Comment: This sequence change replaces alanine, which is neutral and non-polar, with glycine, which is neutral and non-polar, at codon 1259 of the PTPRC protein (p.Ala1259Gly). This variant is not present in population databases (gnomAD no frequency). This variant has not been reported in the literature in individuals affected with PTPRC-related conditions. Algorithms developed to predict the effect of missense changes on protein structure and function are either unavailable or do not agree on the potential impact of this missense change (SIFT: "Deleterious"; PolyPhen-2: "Benign"; Align-GVGD: "Class C0"). Algorithms developed to predict the effect of sequence changes on RNA splicing suggest that this variant may create or strengthen a splice site. In summary, the available evidence is currently insufficient to determine the role of this variant in disease. Therefore, it has been classified as a Variant of Uncertain Significance.